The following is an entry in ClinVar:

NM_001558.4(IL10RA):c.1057C>T (p.Pro353Ser)

Gene: IL10RA (interleukin 10 receptor subunit alpha; plus strand). Cytogenetic location: 11q23.3.
Variant type: single nucleotide variant.
Coding change: c.1057C>T on transcript NM_001558.4 (MANE Select); coding-DNA position 1057, C replaced by T.
Protein change: p.Pro353Ser; replaces proline 353 with serine.
Molecular consequence: missense variant. On other transcripts: non-coding transcript variant (1).
Genome position (GRCh38, 1-based): chr11:117,998,961, C>T. VCF-style: chr11-117998961-C-T. GRCh37 (hg19) VCF-style: chr11-117869676-C-T.
Other names: short protein forms P353S.
Identifiers: ClinVar variation 862468 (VCV000862468.9), dbSNP rs35235073, ClinGen allele CA6299110.
Genomic context (GRCh38, chr11:117,998,961, plus strand): 5'-CCCCAGTTCCTCCTCCCTGACCCTCACCCCCAGGCTGACAGAACGCTGGGAAACAGGGAG[C>T]CCCCTGTGCTGGGGGACAGCTGCAGTAGTGGCAGCAGCAATAGCACAGACAGCGGGATCT-3'
Protein context (NP_001549.2, residues 343-363): QADRTLGNRE[Pro353Ser]PVLGDSCSSG

ClinVar aggregate classification (germline): Conflicting classifications of pathogenicity. Review status: criteria provided, conflicting classifications (1 of 4 stars). 3 submissions from 3 submitters: Uncertain significance (2); Likely benign (1). Last evaluated 2026-02-09.

Conditions:
Inflammatory bowel disease 28. Also called: Inflammatory bowel disease 28, early onset, autosomal recessive. Identifiers: Orphanet 238569, MedGen C2751053, MONDO:0013153, OMIM 613148.
IL10RA-related disorder. Also called: IL10RA-related condition.

Allele frequency attached by ClinVar (database versions not stated): ExAC 0.00008; ESP Exome Variant Server 0.00008; gnomAD exomes 0.00009 and 0.00013; TOPMed 0.00009; gnomAD 0.00011 and 0.00012.
gnomAD v4.1: 165 of 1,612,772 alleles (0.01%); highest among the groups gnomAD compares: Middle Eastern, 0.066%; 1 homozygote.

Submissions (3):

PreventionGenetics, part of Exact Sciences
Classification: Uncertain significance for IL10RA-related condition. Last evaluated: 2026-02-09. Review status: criteria provided, single submitter. Criteria: ACMG Guidelines, 2015. Collection method: clinical testing. Allele origin: germline.
Comment: The IL10RA c.1057C>T variant is predicted to result in the amino acid substitution p.Pro353Ser. To our knowledge, this variant has not been reported in the literature. This variant is reported in 0.16% of alleles in individuals of Ashkenazi Jewish descent in gnomAD. Although we suspect that this variant may be benign, at this time, the clinical significance of this variant is uncertain due to the absence of conclusive functional and genetic evidence.

Blueprint Genetics
Classification: Likely benign. Last evaluated: 2024-11-17. Review status: criteria provided, single submitter. Criteria: ACMG Guidelines, 2015. Collection method: clinical testing. Allele origin: germline.

Labcorp Genetics (formerly Invitae), Labcorp
Classification: Uncertain significance for Inflammatory bowel disease 28. Last evaluated: 2022-09-26. Review status: criteria provided, single submitter. Criteria: Invitae Variant Classification Sherloc (09022015). Collection method: clinical testing. Allele origin: germline.
Comment: This sequence change replaces proline, which is neutral and non-polar, with serine, which is neutral and polar, at codon 353 of the IL10RA protein (p.Pro353Ser). This variant is present in population databases (rs35235073, gnomAD 0.1%). This variant has not been reported in the literature in individuals affected with IL10RA-related conditions. ClinVar contains an entry for this variant (Variation ID: 862468). Advanced modeling of protein sequence and biophysical properties (such as structural, functional, and spatial information, amino acid conservation, physicochemical variation, residue mobility, and thermodynamic stability) performed at Invitae indicates that this missense variant is not expected to disrupt IL10RA protein function. In summary, the available evidence is currently insufficient to determine the role of this variant in disease. Therefore, it has been classified as a Variant of Uncertain Significance.